The following is an entry in ClinVar:

ClinVar aggregate classification (germline): Uncertain significance (1 of 4 stars; one submission).

Submission:

Labcorp Genetics (formerly Invitae), Labcorp
Classification: Uncertain significance. Last evaluated: 2022-08-16. Review status: criteria provided, single submitter. Criteria: Invitae Variant Classification Sherloc (09022015). Collection method: clinical testing. Allele origin: germline.
Comment: In summary, the available evidence is currently insufficient to determine the role of this variant in disease. Therefore, it has been classified as a Variant of Uncertain Significance. Algorithms developed to predict the effect of missense changes on protein structure and function are either unavailable or do not agree on the potential impact of this missense change (SIFT: "Deleterious"; PolyPhen-2: "Benign"; Align-GVGD: "Class C0"). ClinVar contains an entry for this variant (Variation ID: 1472248). This variant has not been reported in the literature in individuals affected with TEAD1-related conditions. This variant is not present in population databases (gnomAD no frequency). This sequence change replaces alanine, which is neutral and non-polar, with valine, which is neutral and non-polar, at codon 124 of the TEAD1 protein (p.Ala124Val).

NM_021961.6(TEAD1):c.371C>T (p.Ala124Val)

Gene: TEAD1 (TEA domain transcription factor 1; plus strand). Cytogenetic location: 11p15.3.
Variant type: single nucleotide variant.
Coding change: c.371C>T on transcript NM_021961.6 (MANE Select); coding-DNA position 371, C replaced by T.
Protein change: p.Ala124Val; replaces alanine 124 with valine.
Molecular consequence: missense variant.
Genome position (GRCh38, 1-based): chr11:12,879,748, C>T. VCF-style: chr11-12879748-C-T. GRCh37 (hg19) VCF-style: chr11-12901295-C-T.
Other names: short protein forms A124V.
Identifiers: ClinVar variation 1472248 (VCV001472248.8), dbSNP rs2134094567, ClinGen allele CA379711807.